The following is an entry in ClinVar:

NM_001386393.1(PANK2):c.1358T>C (p.Leu453Pro)

Gene: PANK2 (pantothenate kinase 2; plus strand). Cytogenetic location: 20p13.
Variant type: single nucleotide variant.
Coding change: c.1358T>C on transcript NM_001386393.1 (MANE Select); coding-DNA position 1358, T replaced by C.
Protein change: p.Leu453Pro; replaces leucine 453 with proline.
Molecular consequence: missense variant. On other transcripts: non-coding transcript variant (1).
Genome position (GRCh38, 1-based): chr20:3,923,269, T>C. VCF-style: chr20-3923269-T-C. GRCh37 (hg19) VCF-style: chr20-3903916-T-C.
Other names: c.815T>C, p.Leu272Pro (NM_153640.4, NM_001324191.2, NM_024960.6); c.380T>C, p.Leu127Pro (NM_001324193.2); c.1688T>C, p.Leu563Pro (NM_153638.4); short protein forms L127P, L272P, L453P, L563P.
Identifiers: ClinVar variation 3374963 (VCV003374963.1).

ClinVar aggregate classification (germline): Likely pathogenic (1 of 4 stars; one submission).

Conditions:
Pigmentary pallidal degeneration (NBIA1). Also called: Neuroaxonal dystrophy, late infantile; Hallervorden-Spatz disease; PKAN NEUROAXONAL DYSTROPHY, JUVENILE-ONSET; HARP SYNDROME; Pantothenate Kinase-Associated Neurodegeneration; Neurodegeneration with brain iron accumulation 1. Identifiers: Orphanet 157850, MedGen C0018523, MONDO:0009319, OMIM 234200.

gnomAD v4.1: 2 of 1,614,102 alleles (0.00012%); highest among the groups gnomAD compares: Admixed American, 0.0017%; no homozygotes.

Submission:

Women's Health and Genetics/Laboratory Corporation of America, LabCorp
Classification: Likely pathogenic for Pigmentary pallidal degeneration. Last evaluated: 2024-09-10. Review status: criteria provided, single submitter. Criteria: LabCorp Variant Classification Summary - May 2015. Collection method: clinical testing. Allele origin: germline.
Comment: Variant summary: PANK2 c.1688T>C (p.Leu563Pro) results in a non-conservative amino acid change in the encoded protein sequence. Five of five in-silico tools predict a damaging effect of the variant on protein function. The variant was absent in 251494 control chromosomes. c.1688T>C has been reported in the literature in at least one individual affected with Pantothenate Kinase-Associated Neurodegeneration (Gonzalez_2021). At least one publication reports experimental evidence evaluating an impact on protein function. The most pronounced variant effect results in <10% of normal activity (Hong_2007). The following publications have been ascertained in the context of this evaluation (PMID: 33853092, 17631502). No submitters have cited clinical-significance assessments for this variant to ClinVar. Other variants affecting L563 (p.L563F, p.L563V) have been reported in patients. Based on the evidence outlined above, the variant was classified as likely pathogenic.

Literature cited by the submitters: PubMed 17631502; PubMed 33853092.